The following is an entry in ClinVar:

NM_198578.4(LRRK2):c.4646A>G (p.Asp1549Gly)

Gene: LRRK2 (leucine rich repeat kinase 2; plus strand). Cytogenetic location: 12q12.
Variant type: single nucleotide variant.
Coding change: c.4646A>G on transcript NM_198578.4 (MANE Select); coding-DNA position 4646, A replaced by G.
Protein change: p.Asp1549Gly; replaces aspartic acid 1549 with glycine.
Molecular consequence: missense variant.
Genome position (GRCh38, 1-based): chr12:40,314,081, A>G. VCF-style: chr12-40314081-A-G. GRCh37 (hg19) VCF-style: chr12-40707883-A-G.
Other names: short protein forms D1549G.
Identifiers: ClinVar variation 3291891 (VCV003291891.1).

ClinVar aggregate classification (germline): Uncertain significance (1 of 4 stars; one submission).

Conditions:
Inborn genetic diseases. Identifiers: MedGen C0950123, MeSH D030342.

Submission:

Ambry Genetics
Classification: Uncertain significance for Inborn genetic diseases. Last evaluated: 2024-03-30. Review status: criteria provided, single submitter. Criteria: Ambry Variant Classification Scheme 2023. Collection method: clinical testing. Allele origin: germline.
Comment: The p.D1549G variant (also known as c.4646A>G), located in coding exon 32 of the LRRK2 gene, results from an A to G substitution at nucleotide position 4646. The aspartic acid at codon 1549 is replaced by glycine, an amino acid with similar properties. This amino acid position is conserved. In addition, this alteration is predicted to be tolerated by in silico analysis. Based on the available evidence, the clinical significance of this alteration remains unclear.